The following is an entry in ClinVar:

ClinVar aggregate classification (germline): Conflicting classifications of pathogenicity. Review status: criteria provided, conflicting classifications (1 of 4 stars). 2 submissions from 2 submitters: Uncertain significance (1); Likely benign (1). Last evaluated 2025-08-18.

Conditions:
Familial sleep-related hypermotor epilepsy. Also called: Autosomal Dominant Sleep-Related Hypermotor (Hyperkinetic) Epilepsy. Identifiers: Orphanet 98784, MedGen C3696898, MONDO:0000030.

Allele frequency attached by ClinVar (database versions not stated): gnomAD exomes below 0.00001 and 0.00001; TOPMed below 0.00001; ESP Exome Variant Server 0.00008.

Submissions (2):

Labcorp Genetics (formerly Invitae), Labcorp
Classification: Likely benign. Last evaluated: 2025-08-18. Review status: criteria provided, single submitter. Criteria: Invitae Variant Classification Sherloc (09022015). Collection method: clinical testing. Allele origin: germline.

GeneDx
Classification: Uncertain significance. Last evaluated: 2023-07-03. Review status: criteria provided, single submitter. Criteria: GeneDx Variant Classification Process June 2021. Collection method: clinical testing. Allele origin: germline. Affected: yes.
Comment: Not observed at significant frequency in large population cohorts (gnomAD); In silico analysis supports that this missense variant has a deleterious effect on protein structure/function; Has not been previously published as pathogenic or benign to our knowledge

NM_000742.4(CHRNA2):c.1385T>C (p.Leu462Pro)

Gene: CHRNA2 (cholinergic receptor nicotinic alpha 2 subunit; minus strand). Cytogenetic location: 8p21.2.
Variant type: single nucleotide variant.
Coding change: c.1385T>C on transcript NM_000742.4 (MANE Select); coding-DNA position 1385, T replaced by C.
Protein change: p.Leu462Pro; replaces leucine 462 with proline.
Molecular consequence: missense variant.
Genome position (GRCh38, 1-based): chr8:27,463,058, A>G on the plus strand (T>C on the coding strand, the complement: CHRNA2 is on the minus strand). VCF-style: chr8-27463058-A-G. GRCh37 (hg19) VCF-style: chr8-27320575-A-G.
Other names: c.1340T>C, p.Leu447Pro (NM_001282455.2); c.908T>C, p.Leu303Pro (NM_001347705.2, NM_001347706.2); c.791T>C, p.Leu264Pro (NM_001347707.2, NM_001347708.2); short protein forms L264P, L303P, L447P, L462P.
Identifiers: ClinVar variation 1314537 (VCV001314537.10), dbSNP rs377612702, ClinGen allele CA174238414.